The following is an entry in ClinVar:

ClinVar aggregate classification (germline): Pathogenic (1 of 4 stars; one submission).

Submission:

Labcorp Genetics (formerly Invitae), Labcorp
Classification: Pathogenic. Last evaluated: 2023-12-09. Review status: criteria provided, single submitter. Criteria: Invitae Variant Classification Sherloc (09022015). Collection method: clinical testing. Allele origin: germline.
Comment: This sequence change creates a premature translational stop signal (p.Trp589*) in the XPC gene. It is expected to result in an absent or disrupted protein product. Loss-of-function variants in XPC are known to be pathogenic (PMID: 23173980, 25256075). This variant is not present in population databases (gnomAD no frequency). This variant has not been reported in the literature in individuals affected with XPC-related conditions. For these reasons, this variant has been classified as Pathogenic.

Literature cited by the submitters: PubMed 23173980; PubMed 25256075.

NM_004628.5(XPC):c.1767G>A (p.Trp589Ter)

Gene: XPC (XPC complex subunit, DNA damage recognition and repair factor; minus strand). Cytogenetic location: 3p25.1.
Variant type: single nucleotide variant.
Coding change: c.1767G>A on transcript NM_004628.5 (MANE Select); coding-DNA position 1767, G replaced by A.
Protein change: p.Trp589Ter; replaces tryptophan 589 with a stop codon.
Molecular consequence: nonsense. On other transcripts: non-coding transcript variant (2), intron variant (1).
Genome position (GRCh38, 1-based): chr3:14,158,116, C>T on the plus strand (G>A on the coding strand, the complement: XPC is on the minus strand). VCF-style: chr3-14158116-C-T. GRCh37 (hg19) VCF-style: chr3-14199616-C-T.
Other names: c.1188G>A, p.Trp396Ter (NM_001354726.2); c.1767G>A, p.Trp589Ter (NM_001354727.2); c.1749G>A, p.Trp583Ter (NM_001354729.2); c.1626+141G>A (NM_001354730.2); short protein forms W396*, W583*, W589*.
Identifiers: ClinVar variation 2906615 (VCV002906615.3), dbSNP rs2470256831, ClinGen allele CA351539094.